The following is an entry in ClinVar:

NM_001430.5(EPAS1):c.1315G>T (p.Ala439Ser)

Gene: EPAS1 (endothelial PAS domain protein 1; plus strand). Cytogenetic location: 2p21.
Variant type: single nucleotide variant.
Coding change: c.1315G>T on transcript NM_001430.5 (MANE Select); coding-DNA position 1315, G replaced by T.
Protein change: p.Ala439Ser; replaces alanine 439 with serine.
Molecular consequence: missense variant.
Genome position (GRCh38, 1-based): chr2:46,377,959, G>T. VCF-style: chr2-46377959-G-T. GRCh37 (hg19) VCF-style: chr2-46605098-G-T.
Other names: short protein forms A439S.
Identifiers: ClinVar variation 2588552 (VCV002588552.2), dbSNP rs1052229611, ClinGen allele CA346703784.
Genomic context (GRCh38, chr2:46,377,959, plus strand): 5'-CAGAACTTCGAGGAGTCCTCAGCCTATGGCAAGGCCATCCTGCCCCCGAGCCAGCCATGG[G>T]CCACGGAGTTGAGGAGCCACAGCACCCAGAGCGAGGCTGGGAGCCTGCCTGCCTTCACCG-3'
Protein context (NP_001421.2, residues 429-449): KAILPPSQPW[Ala439Ser]TELRSHSTQS

ClinVar aggregate classification (germline): Uncertain significance (1 of 4 stars; one submission).

Conditions:
Inborn genetic diseases. Identifiers: MedGen C0950123, MeSH D030342.

gnomAD v4.1: 3 of 1,563,444 alleles (0.00019%); highest among the groups gnomAD compares: Non-Finnish European, 0.00026%; no homozygotes.

Submission:

Ambry Genetics
Classification: Uncertain significance for Inborn genetic diseases. Last evaluated: 2023-07-20. Review status: criteria provided, single submitter. Criteria: Ambry Variant Classification Scheme 2023. Collection method: clinical testing. Allele origin: germline.
Comment: The p.A439S variant (also known as c.1315G>T), located in coding exon 10 of the EPAS1 gene, results from a G to T substitution at nucleotide position 1315. The alanine at codon 439 is replaced by serine, an amino acid with similar properties. This amino acid position is conserved. In addition, this alteration is predicted to be tolerated by in silico analysis. Since supporting evidence is limited at this time, the clinical significance of this alteration remains unclear.